The following is an entry in ClinVar:

NM_000548.5(TSC2):c.2356-7C>T

Gene: TSC2 (TSC complex subunit 2; plus strand). Cytogenetic location: 16p13.3.
Variant type: single nucleotide variant.
Coding change: c.2356-7C>T on transcript NM_000548.5 (MANE Select); 7 bases into the intron before coding-DNA position 2356, C replaced by T.
Molecular consequence: intron variant.
Genome position (GRCh38, 1-based): chr16:2,074,193, C>T. VCF-style: chr16-2074193-C-T. GRCh37 (hg19) VCF-style: chr16-2124194-C-T.
Other names: c.2356-7C>T (NM_001114382.3, NM_021055.3, NM_001370405.1 and 3 more transcripts); c.2245-7C>T (NM_001318827.2); c.1756-7C>T (NM_001318831.2); c.2209-7C>T (NM_001318829.2); c.2389-7C>T (NM_001318832.2).
Identifiers: ClinVar variation 1623764 (VCV001623764.10), dbSNP rs2151346130, ClinGen allele CA2573151632.

ClinVar aggregate classification (germline): Likely benign. Review status: criteria provided, multiple submitters, no conflicts (2 of 4 stars). 2 submissions from 2 submitters: Likely benign (2). Last evaluated 2025-05-20.

Conditions:
Tuberous sclerosis 2 (TSC2). Identifiers: Orphanet 805, MedGen C1860707, MONDO:0013199, OMIM 613254.

gnomAD v4.1: 3 of 1,610,832 alleles (0.00019%); highest among the groups gnomAD compares: East Asian, 0.0022%; no homozygotes.

Submissions (2):

Myriad Genetics, Inc.
Classification: Likely benign for Tuberous sclerosis 2. Last evaluated: 2025-05-20. Review status: criteria provided, single submitter. Criteria: Myriad Autosomal Dominant, Autosomal Recessive and X-Linked Classification Criteria (2023). Collection method: clinical testing. Allele origin: unknown.
Comment: This variant is considered likely benign. This variant is intronic and is not expected to impact mRNA splicing.

Labcorp Genetics (formerly Invitae), Labcorp
Classification: Likely benign for Tuberous sclerosis 2. Last evaluated: 2024-08-05. Review status: criteria provided, single submitter. Criteria: Invitae Variant Classification Sherloc (09022015). Collection method: clinical testing. Allele origin: germline.